The following is an entry in ClinVar:

ClinVar aggregate classification (germline): Likely benign. Review status: criteria provided, single submitter (1 of 4 stars). 2 submissions from 2 submitters: Likely benign (1). 1 of the submissions does not count toward it. Last evaluated 2024-11-01.

Conditions:
CHD4-related disorder. Also called: CHD4-related condition.

Submissions (2):

CeGaT Center for Human Genetics Tuebingen
Classification: Likely benign. Last evaluated: 2024-11-01. Review status: criteria provided, single submitter. Criteria: CeGaT Center For Human Genetics Tuebingen Variant Classification Criteria Version 2. Collection method: clinical testing. Allele origin: germline. Affected: yes. Observed: 3 variant alleles.
Comment: CHD4: BP3

PreventionGenetics, part of Exact Sciences
Classification: Likely benign for CHD4-related condition. Last evaluated: 2022-07-15. Review status: no assertion criteria provided. Collection method: clinical testing. Allele origin: germline. Not counted in ClinVar's aggregate classification.
Comment: This variant is classified as likely benign based on ACMG/AMP sequence variant interpretation guidelines (Richards et al. 2015 PMID: 25741868, with internal and published modifications).

NM_001273.5(CHD4):c.418GAT[4] (p.Asp144del)

Gene: CHD4 (chromodomain helicase DNA binding protein 4; minus strand). Cytogenetic location: 12p13.31.
Variant type: Microsatellite.
Coding change: c.418GAT[4] on transcript NM_001273.5 (MANE Select); four copies in a row of the 3-base unit GAT starting at c.418; the reference has five copies in a row; one copy, 3 bases deleted.
Protein change: p.Asp144del; deletes aspartic acid 144.
Molecular consequence: inframe deletion.
Genome position (GRCh38, 1-based): chr12:6,601,966-6,601,968, ATC deleted on the plus strand (GAT on the coding strand, the reverse complement: CHD4 is on the minus strand); deleting any 3 consecutive bases within chr12:6,601,966-6,601,980 gives the same sequence; the position shown is the placement nearest the transcript's 3' end. VCF-style (leftmost placement, unchanged base first): chr12-6601965-AATC-A. GRCh37 (hg19) VCF-style: chr12-6711131-AATC-A.
Other names: c.397GAT[4], p.Asp137del (NM_001297553.2); c.418GAT[4], p.Asp144del (NM_001363606.2); c.430_432delGAT (NM_001273.3); short protein forms D137del, D144del.
Identifiers: ClinVar variation 2642630 (VCV002642630.25), dbSNP rs747127748, ClinGen allele CA6412517.
Genomic context (GRCh38, chr12:6,601,965, plus strand): 5'-GAAACAAAAAGACAAAAGTTTAACAGTACAAAGAAGAGGATGGAGGTCCAGGCACCTTTG[AATC>A]ATCATCATCATCCTCCTCCTCCTCCTCCTCCTTCCGCTTGGATTTGCTCTTCTTCTCTTT-3'